The following is an entry in ClinVar:

NM_001378120.1(MBD5):c.4642G>A (p.Glu1548Lys)

Gene: MBD5 (methyl-CpG binding domain protein 5; plus strand). Cytogenetic location: 2q23.1.
Variant type: single nucleotide variant.
Coding change: c.4642G>A on transcript NM_001378120.1 (MANE Select); coding-DNA position 4642, G replaced by A.
Protein change: p.Glu1548Lys; replaces glutamic acid 1548 with lysine.
Molecular consequence: missense variant.
Genome position (GRCh38, 1-based): chr2:148,490,274, G>A. VCF-style: chr2-148490274-G-A. GRCh37 (hg19) VCF-style: chr2-149247843-G-A.
Other names: c.3943G>A, p.Glu1315Lys (NM_018328.5); short protein forms E1315K, E1548K.
Identifiers: ClinVar variation 2725567 (VCV002725567.3), dbSNP rs775197626, ClinGen allele CA1900451.

ClinVar aggregate classification (germline): Uncertain significance (1 of 4 stars; one submission).

Conditions:
Intellectual developmental disorder, autosomal dominant 1. Also called: Intellectual disability, autosomal dominant 1; MBD5 Haploinsufficiency. Identifiers: Orphanet 228402, MedGen C1969562, MONDO:0007974, OMIM 156200.

gnomAD v4.1: 2 of 1,614,206 alleles (0.00012%); highest among the groups gnomAD compares: Admixed American, 0.0017%; no homozygotes.

Submission:

Labcorp Genetics (formerly Invitae), Labcorp
Classification: Uncertain significance for Intellectual developmental disorder, autosomal dominant 1. Last evaluated: 2023-08-05. Review status: criteria provided, single submitter. Criteria: Invitae Variant Classification Sherloc (09022015). Collection method: clinical testing. Allele origin: germline.
Comment: This sequence change replaces glutamic acid, which is acidic and polar, with lysine, which is basic and polar, at codon 1315 of the MBD5 protein (p.Glu1315Lys). This variant is present in population databases (rs775197626, gnomAD 0.007%). This variant has not been reported in the literature in individuals affected with MBD5-related conditions. Experimental studies and prediction algorithms are not available or were not evaluated, and the functional significance of this variant is currently unknown. In summary, the available evidence is currently insufficient to determine the role of this variant in disease. Therefore, it has been classified as a Variant of Uncertain Significance.